The following is an entry in ClinVar:

NC_000020.10:g.(?_401495)_(443049_?)dup

Genes: RBCK1 (RANBP2-type and C3HC4-type zinc finger containing 1; plus strand), TBC1D20 (TBC1 domain family member 20; minus strand). Cytogenetic location: 20p13.
Variant type: Duplication.
Identifiers: ClinVar variation 2426962 (VCV002426962.4).

ClinVar aggregate classification (germline): Uncertain significance (1 of 4 stars; one submission).

Conditions:
Polyglucosan body myopathy type 1 (PGBM1). Also called: Polyglucosan body myopathy 1 with or without immunodeficiency; POLYGLUCOSAN BODY MYOPATHY WITHOUT IMMUNODEFICIENCY. Identifiers: Orphanet 329173, Orphanet 397937, MedGen C4014605, MONDO:0014389, OMIM 615895.

Submission:

Labcorp Genetics (formerly Invitae), Labcorp
Classification: Uncertain significance for Polyglucosan body myopathy type 1. Last evaluated: 2022-05-19. Review status: criteria provided, single submitter. Criteria: Invitae Variant Classification Sherloc (09022015). Collection method: clinical testing. Allele origin: germline.
Comment: This variant results in a copy number gain of the genomic region encompassing exon(s) 7-12 of the RBCK1 gene. This region includes the termination codon of the gene. This copy number gain extends beyond the assayed region for this gene and therefore may encompass additional genes. As the precise location of this event is unknown, it may be in tandem or it may be located elsewhere in the genome. In summary, the available evidence is currently insufficient to determine the role of this variant in disease. Therefore, it has been classified as a Variant of Uncertain Significance. Experimental studies and prediction algorithms are not available or were not evaluated, and the functional significance of this variant is currently unknown. This variant has not been reported in the literature in individuals affected with RBCK1-related conditions.